The following is an entry in ClinVar:

ClinVar aggregate classification (germline): Uncertain significance (1 of 4 stars; one submission).

Conditions:
Autoimmune lymphoproliferative syndrome type 1. Also called: AUTOIMMUNE LYMPHOPROLIFERATIVE SYNDROME, TYPE I, AUTOSOMAL DOMINANT. Identifiers: Orphanet 3261, MedGen C2717884, MONDO:0011158, OMIM 601859.

Allele frequency attached by ClinVar (database versions not stated): gnomAD exomes 0.00001.

Submission:

Labcorp Genetics (formerly Invitae), Labcorp
Classification: Uncertain significance for Autoimmune lymphoproliferative syndrome. Last evaluated: 2021-09-17. Review status: criteria provided, single submitter. Criteria: Invitae Variant Classification Sherloc (09022015). Collection method: clinical testing. Allele origin: germline.
Comment: In summary, the available evidence is currently insufficient to determine the role of this variant in disease. Therefore, it has been classified as a Variant of Uncertain Significance. Algorithms developed to predict the effect of missense changes on protein structure and function output the following: SIFT: "Tolerated"; PolyPhen-2: "Benign"; Align-GVGD: "Class C0". The arginine amino acid residue is found in multiple mammalian species, which suggests that this missense change does not adversely affect protein function. This variant has not been reported in the literature in individuals affected with FASLG-related conditions. This variant is not present in population databases (ExAC no frequency). This sequence change replaces methionine with arginine at codon 121 of the FASLG protein (p.Met121Arg). The methionine residue is weakly conserved and there is a moderate physicochemical difference between methionine and arginine.

NM_000639.3(FASLG):c.362T>G (p.Met121Arg)

Gene: FASLG (Fas ligand; plus strand). Cytogenetic location: 1q24.3.
Variant type: single nucleotide variant.
Coding change: c.362T>G on transcript NM_000639.3 (MANE Select); coding-DNA position 362, T replaced by G.
Protein change: p.Met121Arg; replaces methionine 121 with arginine.
Molecular consequence: missense variant. On other transcripts: intron variant (1).
Genome position (GRCh38, 1-based): chr1:172,660,108, T>G. VCF-style: chr1-172660108-T-G. GRCh37 (hg19) VCF-style: chr1-172629248-T-G.
Other names: c.348+559T>G (NM_001302746.2); short protein forms M121R.
Identifiers: ClinVar variation 1506682 (VCV001506682.6), dbSNP rs1303419746, ClinGen allele CA343805647.
Genomic context (GRCh38, chr1:172,660,108, plus strand): 5'-AAGAATTTTATTTTTATTATACATCTTTTCTCTTTCTGTTTTACTAGTCTACCAGCCAGA[T>G]GCACACAGCATCATCTTTGGAGAAGCAAATAGGTGAGTCTTTTTTCGCATGTACATTGAG-3'
Protein context (NP_000630.1, residues 111-131): LAELRESTSQ[Met121Arg]HTASSLEKQI